The following is an entry in ClinVar:

ClinVar aggregate classification (germline): Uncertain significance (1 of 4 stars; one submission).

Conditions:
Familial cold autoinflammatory syndrome 2 (FCAS2). Identifiers: Orphanet 247868, MedGen C2673198, MONDO:0012724, OMIM 611762.

gnomAD v4.1: 1 of 1,614,042 alleles (0.000062%); no homozygotes.

Submission:

Labcorp Genetics (formerly Invitae), Labcorp
Classification: Uncertain significance for Familial cold autoinflammatory syndrome 2. Last evaluated: 2021-03-20. Review status: criteria provided, single submitter. Criteria: Invitae Variant Classification Sherloc (09022015). Collection method: clinical testing. Allele origin: germline.
Comment: In summary, the available evidence is currently insufficient to determine the role of this variant in disease. Therefore, it has been classified as a Variant of Uncertain Significance. Algorithms developed to predict the effect of missense changes on protein structure and function output the following: SIFT: "Tolerated"; PolyPhen-2: "Benign"; Align-GVGD: "Class C0". The alanine amino acid residue is found in multiple mammalian species, suggesting that this missense change does not adversely affect protein function. These predictions have not been confirmed by published functional studies and their clinical significance is uncertain. This variant has not been reported in the literature in individuals with NLRP12-related conditions. This variant is not present in population databases (ExAC no frequency). This sequence change replaces serine with alanine at codon 763 of the NLRP12 protein (p.Ser763Ala). The serine residue is weakly conserved and there is a moderate physicochemical difference between serine and alanine.

NM_144687.4(NLRP12):c.2287T>G (p.Ser763Ala)

Gene: NLRP12 (NLR family pyrin domain containing 12; minus strand). Cytogenetic location: 19q13.42.
Variant type: single nucleotide variant.
Coding change: c.2287T>G on transcript NM_144687.4 (MANE Select); coding-DNA position 2287, T replaced by G.
Protein change: p.Ser763Ala; replaces serine 763 with alanine.
Molecular consequence: missense variant.
Genome position (GRCh38, 1-based): chr19:53,805,407, A>C on the plus strand (T>G on the coding strand, the complement: NLRP12 is on the minus strand). VCF-style: chr19-53805407-A-C. GRCh37 (hg19) VCF-style: chr19-54308661-A-C.
Other names: c.2290T>G, p.Ser764Ala (NM_001277126.2); c.2287T>G, p.Ser763Ala (NM_001277129.1); short protein forms S763A, S764A.
Identifiers: ClinVar variation 1464614 (VCV001464614.8), dbSNP rs764833458, ClinGen allele CA407410633.